The following is an entry in ClinVar:

NM_007294.4(BRCA1):c.5158A>G (p.Thr1720Ala)

Gene: BRCA1 (BRCA1 DNA repair associated; minus strand). Cytogenetic location: 17q21.31.
Variant type: single nucleotide variant.
Coding change: c.5158A>G on transcript NM_007294.4 (MANE Select); coding-DNA position 5158, A replaced by G.
Protein change: p.Thr1720Ala; replaces threonine 1720 with alanine.
Molecular consequence: missense variant. On other transcripts: non-coding transcript variant (1).
Genome position (GRCh38, 1-based): chr17:43,063,368, T>C on the plus strand (A>G on the coding strand, the complement: BRCA1 is on the minus strand). VCF-style: chr17-43063368-T-C. GRCh37 (hg19) VCF-style: chr17-41215385-T-C.
Other names: p.T1720A:ACC>GCC; 5277A>G; c.5155A>G, p.Thr1719Ala (NM_001407612.1, NM_001407613.1, NM_001407614.1 and 17 more transcripts); c.5080A>G, p.Thr1694Ala (NM_001407653.1, NM_001407654.1, NM_001407655.1 and 1 more transcripts); c.5077A>G, p.Thr1693Ala (NM_001407656.1, NM_001407657.1, NM_001407658.1); c.5074A>G, p.Thr1692Ala (NM_001407659.1, NM_001407660.1, NM_001407661.1 and 2 more transcripts); c.4954A>G, p.Thr1652Ala (NM_001407863.1); c.4951A>G, p.Thr1651Ala (NM_001407874.1, NM_001407875.1); and 74 more; short protein forms T1720A, T616A, T1673A, T1741A, T1423A, T1630A, T1648A, T1649A.
Identifiers: ClinVar variation 55438 (VCV000055438.45), dbSNP rs56195342, ClinGen allele CA003312.

ClinVar aggregate classification (germline): Benign. Review status: reviewed by expert panel (3 of 4 stars). 23 submissions from 23 submitters: Benign (1). 22 of the submissions do not count toward it. Last evaluated 2015-08-10.

Conditions:
BRCA1-related disorder. Also called: BRCA1-related condition.
Breast and/or ovarian cancer. Identifiers: MedGen CN221562.
Hereditary cancer-predisposing syndrome. Also called: Hereditary Cancer Syndrome; Hereditary neoplastic syndrome; Neoplastic Syndromes, Hereditary; Tumor predisposition. Identifiers: Orphanet 140162, MedGen C0027672, MeSH D009386, MONDO:0015356.
Malignant tumor of breast. Also called: Cancer breast; Malignant breast neoplasm. Identifiers: MedGen C0006142, MONDO:0007254. Disease mechanism: loss of function.
Breast-ovarian cancer, familial, susceptibility to, 1 (BROVCA1). Also called: BRCA1 Hereditary Breast and Ovarian Cancer; OVARIAN CANCER, SUSCEPTIBILITY TO. Identifiers: Orphanet 145, MedGen C2676676, MONDO:0011450, OMIM 604370. Disease mechanism: loss of function.
Hereditary breast ovarian cancer syndrome. Also called: BRCA1- and BRCA2-Associated Hereditary Breast and Ovarian Cancer; Hereditary breast and ovarian cancer syndrome; Hereditary breast and ovarian cancer syndrome (HBOC); Breast and ovarian cancer; Hereditary breast and/or ovarian cancer syndrome; Hereditary breast and ovarian cancer. Identifiers: Orphanet 145, MedGen C0677776, MeSH D061325, MONDO:0003582. Disease mechanism: loss of function.

Allele frequency attached by ClinVar (database versions not stated): 1000 Genomes Project 0.00020; gnomAD exomes 0.00013 and 0.00018; TOPMed 0.00016; ExAC 0.00009; ESP Exome Variant Server 0.00015; gnomAD 0.00011; 1000 Genomes Project 30x 0.00031.
gnomAD v4.1: 203 of 1,611,752 alleles (0.013%); highest among the groups gnomAD compares: Admixed American, 0.085%; no homozygotes.

Submissions 1 to 20 of 24:

Evidence-based Network for the Interpretation of Germline Mutant Alleles (ENIGMA)
Classification: Benign for Breast-ovarian cancer, familial 1. Last evaluated: 2015-08-10. Review status: reviewed by expert panel. Criteria: ENIGMA BRCA1/2 Classification Criteria (2015). Collection method: curation. Allele origin: germline.
Comment: IARC class based on posterior probability from multifactorial likelihood analysis, thresholds for class as per Plon et al. 2008 (PMID: 18951446). Class 1 based on posterior probability = 0.000000000000344

Institute for Biomarker Research, Medical Diagnostic Laboratories, L.L.C.
Classification: Benign for Hereditary breast ovarian cancer syndrome. Last evaluated: 2026-02-16. Review status: criteria provided, single submitter. Criteria: ACMG Guidelines, 2015. Collection method: clinical testing. Allele origin: germline. Not counted in ClinVar's aggregate classification.
Comment: The missense variant NM_007294.4(BRCA1):c.5158A>G (p.Thr1720Ala) has been reported to ClinVar as Benign with a status of (3 stars) reviewed by expert panel (Accession: VCV000055438.44). The variant is observed in one or more well-documented healthy adults.There is a small physicochemical difference between threonine and alanine, which is not likely to impact secondary protein structure as these residues share similar properties. The gene BRCA1 has a low rate of benign missense variation as indicated by a high missense variants Z-Score of 2.32. The gene BRCA1 contains 268 pathogenic missense variants, indicating that missense variants are a common mechanism of disease in this gene. For these reasons, this variant has been classified as Benign.

Labcorp Genetics (formerly Invitae), Labcorp
Classification: Benign for Hereditary breast ovarian cancer syndrome. Last evaluated: 2026-02-04. Review status: criteria provided, single submitter. Criteria: Invitae Variant Classification Sherloc (09022015). Collection method: clinical testing. Allele origin: germline. Not counted in ClinVar's aggregate classification.

Mayo Clinic Laboratories, Mayo Clinic
Classification: Benign. Last evaluated: 2025-10-09. Review status: criteria provided, single submitter. Criteria: ACMG Guidelines, 2015. Collection method: clinical testing. Allele origin: germline. Observed: 1 variant allele. Not counted in ClinVar's aggregate classification.
Comment: BS1, BS3, BP4, BP5_very_strong

ARUP Laboratories, Molecular Genetics and Genomics, ARUP Laboratories
Classification: Benign. Last evaluated: 2025-04-07. Review status: criteria provided, single submitter. Criteria: ARUP Molecular Germline Variant Investigation Process 2024. Collection method: clinical testing. Allele origin: germline. Not counted in ClinVar's aggregate classification.

Center for Genomic Medicine, Rigshospitalet, Copenhagen University Hospital
Classification: Benign. Last evaluated: 2025-03-04. Review status: criteria provided, single submitter. Criteria: ACMG Guidelines, 2015. Collection method: clinical testing. Allele origin: germline. Not counted in ClinVar's aggregate classification.

CHEO Genetics Diagnostic Laboratory, Children's Hospital of Eastern Ontario
Classification: Likely benign for Breast and/or ovarian cancer. Last evaluated: 2022-03-03. Review status: criteria provided, single submitter. Criteria: ACMG Guidelines, 2015. Collection method: clinical testing. Allele origin: germline. Not counted in ClinVar's aggregate classification.

Sema4
Classification: Benign for Hereditary cancer-predisposing syndrome. Last evaluated: 2020-11-28. Review status: criteria provided, single submitter. Criteria: Sema4 Curation Guidelines. Collection method: curation. Allele origin: germline. Not counted in ClinVar's aggregate classification.

Genetic Services Laboratory, University of Chicago
Classification: Likely benign. Last evaluated: 2020-05-06. Review status: criteria provided, single submitter. Criteria: ACMG Guidelines, 2015. Collection method: clinical testing. Allele origin: germline. Affected: no. Not counted in ClinVar's aggregate classification.

Mendelics
Classification: Likely benign for Breast-ovarian cancer, familial, susceptibility to, 1. Last evaluated: 2019-05-28. Review status: criteria provided, single submitter. Criteria: Mendelics Assertion Criteria 2017. Collection method: clinical testing. Allele origin: unknown. Not counted in ClinVar's aggregate classification.

Genome Diagnostics Laboratory, University Medical Center Utrecht
Classification: Benign for Breast-ovarian cancer, familial, susceptibility to, 1. Last evaluated: 2017-07-28. Review status: criteria provided, single submitter. Criteria: ACGS Guidelines, 2013. Collection method: clinical testing. Allele origin: germline. Affected: yes. Study: VKGL Data-share Consensus. Not counted in ClinVar's aggregate classification.

Color Diagnostics, LLC DBA Color Health
Classification: Benign for Hereditary cancer-predisposing syndrome. Last evaluated: 2015-12-14. Review status: criteria provided, single submitter. Criteria: ACMG Guidelines, 2015. Collection method: clinical testing. Allele origin: germline. Not counted in ClinVar's aggregate classification.

Clinical Genetics DNA and cytogenetics Diagnostics Lab, Erasmus MC, Erasmus Medical Center
Classification: Benign for Breast-ovarian cancer, familial, susceptibility to, 1. Last evaluated: 2015-09-21. Review status: criteria provided, single submitter. Criteria: ACGS Guidelines, 2013. Collection method: clinical testing. Allele origin: germline. Affected: yes. Study: VKGL Data-share Consensus. Not counted in ClinVar's aggregate classification.

Eurofins Ntd Llc (ga)
Classification: Likely benign. Last evaluated: 2015-03-10. Review status: criteria provided, single submitter. Criteria: EGL Classification Definitions 2015. Collection method: clinical testing. Allele origin: germline. Observed: 1 variant allele, 1 heterozygote. Not counted in ClinVar's aggregate classification.

Ambry Genetics
Classification: Benign for Hereditary cancer-predisposing syndrome. Last evaluated: 2014-11-18. Review status: criteria provided, single submitter. Criteria: Ambry Variant Classification Scheme 2023. Collection method: clinical testing. Allele origin: germline. Not counted in ClinVar's aggregate classification.

GeneDx
Classification: Benign. Last evaluated: 2014-02-21. Review status: criteria provided, single submitter. Criteria: GeneDx Variant Classification (06012015). Collection method: clinical testing. Allele origin: germline. Affected: yes. Not counted in ClinVar's aggregate classification.
Comment: This variant is considered likely benign or benign based on one or more of the following criteria: it is a conservative change, it occurs at a poorly conserved position in the protein, it is predicted to be benign by multiple in silico algorithms, and/or has population frequency not consistent with disease.

BRCAlab, Lund University
Classification: Benign for Breast-ovarian cancer, familial, susceptibility to, 1. Last evaluated: 2020-03-02. Review status: no assertion criteria provided. Collection method: clinical testing. Allele origin: germline. Affected: yes. Not counted in ClinVar's aggregate classification.

PreventionGenetics, part of Exact Sciences
Classification: Benign for BRCA1-related condition. Last evaluated: 2019-03-12. Review status: no assertion criteria provided. Collection method: clinical testing. Allele origin: germline. Not counted in ClinVar's aggregate classification.
Comment: This variant is classified as benign based on ACMG/AMP sequence variant interpretation guidelines (Richards et al. 2015 PMID: 25741868, with internal and published modifications).

Sharing Clinical Reports Project (SCRP)
Classification: Uncertain significance for Breast-ovarian cancer, familial 1. Last evaluated: 2008-11-14. Review status: no assertion criteria provided. Collection method: clinical testing. Allele origin: germline. Not counted in ClinVar's aggregate classification.

Breast Cancer Information Core (BIC) (BRCA1)
Classification: Uncertain significance for Breast-ovarian cancer, familial 1. Last evaluated: 1999-12-30. Review status: no assertion criteria provided. Collection method: clinical testing. Allele origin: germline. Affected: yes. Observed: 15 variant alleles. Not counted in ClinVar's aggregate classification.